The following is an entry in ClinVar:

NM_014780.5(CUL7):c.5029C>T (p.Gln1677Ter)

Gene: CUL7 (cullin 7; minus strand). Cytogenetic location: 6p21.1.
Variant type: single nucleotide variant.
Coding change: c.5029C>T on transcript NM_014780.5 (MANE Select); coding-DNA position 5029, C replaced by T.
Protein change: p.Gln1677Ter; replaces glutamine 1677 with a stop codon.
Molecular consequence: nonsense.
Genome position (GRCh38, 1-based): chr6:43,037,756, G>A on the plus strand (C>T on the coding strand, the complement: CUL7 is on the minus strand). VCF-style: chr6-43037756-G-A. GRCh37 (hg19) VCF-style: chr6-43005494-G-A.
Other names: c.5125C>T, p.Gln1709Ter (NM_001168370.2, NM_001374872.1); c.5041C>T, p.Gln1681Ter (NM_001374873.1); c.5026C>T, p.Gln1676Ter (NM_001374874.1); short protein forms Q1676*, Q1681*, Q1709*, Q1677*.
Identifiers: ClinVar variation 1878356 (VCV001878356.2), dbSNP rs775022798, ClinGen allele CA3813056.

ClinVar aggregate classification (germline): Uncertain significance. Review status: criteria provided, multiple submitters, no conflicts (2 of 4 stars). 2 submissions from 2 submitters: Uncertain significance (2). Last evaluated 2025-03-01.

Allele frequency attached by ClinVar (database versions not stated): gnomAD exomes below 0.00001; gnomAD 0.00001; ExAC 0.00003.
gnomAD v4.1: 6 of 1,583,698 alleles (0.00038%); highest among the groups gnomAD compares: South Asian, 0.0046%; no homozygotes.

Submissions (2):

GeneDx
Classification: Uncertain significance. Last evaluated: 2025-03-01. Review status: criteria provided, single submitter. Criteria: GeneDx Variant Classification Process June 2021. Collection method: clinical testing. Allele origin: germline. Affected: yes.
Comment: Not observed at significant frequency in large population cohorts (gnomAD); Nonsense variant predicted to result in protein truncation as the last 22 amino acids are lost; Has not been previously published as pathogenic or benign to our knowledge

Women's Health and Genetics/Laboratory Corporation of America, LabCorp
Classification: Uncertain significance. Last evaluated: 2022-12-21. Review status: criteria provided, single submitter. Criteria: LabCorp Variant Classification Summary - May 2015. Collection method: clinical testing. Allele origin: germline.
Comment: Variant summary: CUL7 c.5029C>T (p.Gln1677X) results in a premature termination codon, predicted to cause a truncation of the encoded protein due to nonsense mediated decay, which are commonly known mechanisms for disease. However, this variant is present in the last of the 26 exons in the CUL7 gene, 68 nucleotides/22 amino acids from the end of exon 26. The variant is also positioned past the last known critical protein domain. No truncations downstream of this variant have been recorded by our laboratory, in HGMD, or in ClinVar. The variant allele was found at a frequency of 5e-06 in 201116 control chromosomes. The available data on variant occurrences in the general population are insufficient to allow any conclusion about variant significance. To our knowledge, no occurrence of c.5029C>T in individuals affected with Three M Syndrome 1 and no experimental evidence demonstrating its impact on protein function have been reported. No clinical diagnostic laboratories have submitted clinical-significance assessments for this variant to ClinVar after 2014. Based on the evidence outlined above, the variant was classified as uncertain significance.